The following is an entry in ClinVar:

ClinVar aggregate classification (germline): Uncertain significance. Review status: criteria provided, multiple submitters, no conflicts (2 of 4 stars). 2 submissions from 2 submitters: Uncertain significance (2). Last evaluated 2025-10-03.

Allele frequency attached by ClinVar (database versions not stated): gnomAD exomes 0.00002; 1000 Genomes Project 0.00020; 1000 Genomes Project 30x 0.00016; ExAC 0.00006; ESP Exome Variant Server 0.00016; gnomAD 0.00028; TOPMed 0.00029.

Submissions (2):

Labcorp Genetics (formerly Invitae), Labcorp
Classification: Uncertain significance. Last evaluated: 2025-10-03. Review status: criteria provided, single submitter. Criteria: Invitae Variant Classification Sherloc (09022015). Collection method: clinical testing. Allele origin: germline.
Comment: This sequence change replaces phenylalanine, which is neutral and non-polar, with leucine, which is neutral and non-polar, at codon 717 of the FUK protein (p.Phe717Leu). This variant is present in population databases (rs374934502, gnomAD 0.09%), and has an allele count higher than expected for a pathogenic variant. This variant has not been reported in the literature in individuals affected with FUK-related conditions. ClinVar contains an entry for this variant (Variation ID: 2903621). An algorithm developed to predict the effect of missense changes on protein structure and function (PolyPhen-2) suggests that this variant is likely to be tolerated. In summary, the available evidence is currently insufficient to determine the role of this variant in disease. Therefore, it has been classified as a Variant of Uncertain Significance.

Ambry Genetics
Classification: Uncertain significance. Last evaluated: 2025-05-01. Review status: criteria provided, single submitter. Criteria: Ambry Variant Classification Scheme 2023. Collection method: clinical testing. Allele origin: germline.

NM_145059.3(FCSK):c.2149T>C (p.Phe717Leu)

Gene: FCSK (fucose kinase; plus strand). Cytogenetic location: 16q22.1.
Variant type: single nucleotide variant.
Coding change: c.2149T>C on transcript NM_145059.3 (MANE Select); coding-DNA position 2149, T replaced by C.
Protein change: p.Phe717Leu; replaces phenylalanine 717 with leucine.
Molecular consequence: missense variant.
Genome position (GRCh38, 1-based): chr16:70,474,688, T>C. VCF-style: chr16-70474688-T-C. GRCh37 (hg19) VCF-style: chr16-70508591-T-C.
Other names: c.2149T>C (NM_145059.2); short protein forms F717L.
Identifiers: ClinVar variation 2903621 (VCV002903621.4), dbSNP rs374934502, ClinGen allele CA8143504.